The following is an entry in ClinVar:

ClinVar aggregate classification (germline): Uncertain significance (1 of 4 stars; one submission).

Conditions:
Catecholaminergic polymorphic ventricular tachycardia (CVPT). Also called: Catecholamine-induced polymorphic ventricular tachycardia. Identifiers: Orphanet 3286, MedGen C5574922, MONDO:0017990.

Allele frequency attached by ClinVar (database versions not stated): gnomAD exomes below 0.00001.
gnomAD v4.1: 1 of 1,613,958 alleles (0.000062%); highest among the groups gnomAD compares: South Asian, 0.0011%; no homozygotes.

Submission:

All of Us Research Program, National Institutes of Health
Classification: Uncertain significance for Catecholaminergic polymorphic ventricular tachycardia. Last evaluated: 2023-07-10. Review status: criteria provided, single submitter. Criteria: ACMG Guidelines, 2015. Collection method: clinical testing. Allele origin: germline. Inheritance: Autosomal dominant inheritance. Observed: 1 variant allele, 1 heterozygote.
Comment: This missense variant replaces serine with phenylalanine at codon 2568 of the RYR2 protein. Computational prediction is inconclusive regarding the impact of this variant on protein structure and function (internally defined REVEL score threshold 0.5 < inconclusive < 0.7, PMID: 27666373). To our knowledge, functional studies have not been reported for this variant. This variant has not been reported in individuals affected with RYR2-related disorders in the literature. This variant has not been identified in the general population by the Genome Aggregation Database (gnomAD). The available evidence is insufficient to determine the role of this variant in disease conclusively. Therefore, this variant is classified as a Variant of Uncertain Significance.

This study involves interpretation of variants in research participants for the purpose of population health screening. Participant phenotype was not available at the time of variant classification. Additional details can be found in publication PMID: 35346344, PMCID: PMC8962531

NM_001035.3(RYR2):c.7703C>T (p.Ser2568Phe)

Gene: RYR2 (ryanodine receptor 2; plus strand). Cytogenetic location: 1q43.
Variant type: single nucleotide variant.
Coding change: c.7703C>T on transcript NM_001035.3 (MANE Select); coding-DNA position 7703, C replaced by T.
Protein change: p.Ser2568Phe; replaces serine 2568 with phenylalanine.
Molecular consequence: missense variant.
Genome position (GRCh38, 1-based): chr1:237,650,067, C>T. VCF-style: chr1-237650067-C-T. GRCh37 (hg19) VCF-style: chr1-237813367-C-T.
Other names: short protein forms S2568F.
Identifiers: ClinVar variation 3072407 (VCV003072407.1), dbSNP rs2547038067, ClinGen allele CA345399379.